The following is an entry in ClinVar:

ClinVar aggregate classification (germline): Uncertain significance (1 of 4 stars; one submission).

Submission:

Labcorp Genetics (formerly Invitae), Labcorp
Classification: Uncertain significance. Last evaluated: 2023-09-11. Review status: criteria provided, single submitter. Criteria: Invitae Variant Classification Sherloc (09022015). Collection method: clinical testing. Allele origin: germline.
Comment: In summary, the available evidence is currently insufficient to determine the role of this variant in disease. Therefore, it has been classified as a Variant of Uncertain Significance. Variants that disrupt the consensus splice site are a relatively common cause of aberrant splicing (PMID: 17576681, 9536098). Algorithms developed to predict the effect of sequence changes on RNA splicing suggest that this variant is not likely to affect RNA splicing. ClinVar contains an entry for this variant (Variation ID: 1936157). This variant has not been reported in the literature in individuals affected with IL23R-related conditions. This variant is present in population databases (rs780351729, gnomAD 0.0009%). This sequence change falls in intron 2 of the IL23R gene. It does not directly change the encoded amino acid sequence of the IL23R protein. It affects a nucleotide within the consensus splice site.

Literature cited by the submitters: PubMed 17576681; PubMed 9536098.

NM_144701.3(IL23R):c.70+3_70+4dup

Gene: IL23R (interleukin 23 receptor; plus strand). Cytogenetic location: 1p31.3.
Variant type: Duplication.
Coding change: c.70+3_70+4dup on transcript NM_144701.3 (MANE Select); bases 3 to 4 of the intron after coding-DNA position 70, 2 bases duplicated (AT; older notation c.70+3_70+4dupAT).
Molecular consequence: splice donor variant.
Genome position (GRCh38, 1-based): chr1:67,168,193-67,168,194, AT duplicated; duplicating any 2 consecutive bases within chr1:67,168,192-67,168,194 gives the same sequence; the c. name uses the placement nearest the transcript's 3' end. VCF-style (leftmost placement, unchanged base first): chr1-67168191-G-GTA. GRCh37 (hg19) VCF-style: chr1-67633874-G-GTA.
Identifiers: ClinVar variation 1936157 (VCV001936157.5), dbSNP rs780351729, ClinGen allele CA899627.